The following is an entry in ClinVar:

ClinVar aggregate classification (germline): Uncertain significance (1 of 4 stars; one submission).

Submission:

Athena Diagnostics
Classification: Uncertain significance. Last evaluated: 2024-07-24. Review status: criteria provided, single submitter. Criteria: Athena Diagnostics Criteria. Collection method: clinical testing. Allele origin: unknown.
Comment: Available data are insufficient to determine the clinical significance of the variant at this time. This variant has not been reported in large, multi-ethnic general populations. Polyphen and MutationTaster yielded discordant predictions regarding whether this amino acid change is damaging to the protein.

NM_182961.4(SYNE1):c.24014T>C (p.Leu8005Pro)

Gene: SYNE1 (spectrin repeat containing nuclear envelope protein 1; minus strand). Cytogenetic location: 6q25.2.
Variant type: single nucleotide variant.
Coding change: c.24014T>C on transcript NM_182961.4 (MANE Select); coding-DNA position 24014, T replaced by C.
Protein change: p.Leu8005Pro; replaces leucine 8005 with proline.
Molecular consequence: missense variant.
Genome position (GRCh38, 1-based): chr6:152,155,007, A>G on the plus strand (T>C on the coding strand, the complement: SYNE1 is on the minus strand). VCF-style: chr6-152155007-A-G. GRCh37 (hg19) VCF-style: chr6-152476142-A-G.
Other names: c.620T>C, p.Leu207Pro (NM_001347701.2); c.479T>C, p.Leu160Pro (NM_001347702.2); c.23801T>C, p.Leu7934Pro (NM_033071.5); short protein forms L207P, L7934P, L8005P, L160P.
Identifiers: ClinVar variation 3571677 (VCV003571677.1).